The following is an entry in ClinVar:

NM_000051.4(ATM):c.8548T>G (p.Leu2850Val)

Genes: ATM (ATM serine/threonine kinase; plus strand), C11orf65 (chromosome 11 open reading frame 65; minus strand). Cytogenetic location: 11q22.3.
Variant type: single nucleotide variant.
Coding change: c.8548T>G on transcript NM_000051.4 (MANE Select); coding-DNA position 8548, T replaced by G.
Protein change: p.Leu2850Val; replaces leucine 2850 with valine.
Molecular consequence: missense variant. On other transcripts: intron variant (2).
Genome position (GRCh38, 1-based): chr11:108,345,872, T>G. VCF-style: chr11-108345872-T-G. GRCh37 (hg19) VCF-style: chr11-108216599-T-G.
Other names: c.8548T>G, p.Leu2850Val (NM_001351834.2); c.641-36801A>C (NM_001330368.2); c.695-10580A>C (NM_001351110.2); short protein forms L2850V.
Identifiers: ClinVar variation 481358 (VCV000481358.7), dbSNP rs1555138320, ClinGen allele CA382518447.

ClinVar aggregate classification (germline): Uncertain significance (1 of 4 stars; one submission).

Conditions:
Hereditary cancer-predisposing syndrome. Also called: Neoplastic Syndromes, Hereditary; Hereditary Cancer Syndrome; Tumor predisposition; Hereditary neoplastic syndrome. Identifiers: Orphanet 140162, MedGen C0027672, MeSH D009386, MONDO:0015356.

Submission:

Ambry Genetics
Classification: Uncertain significance for Hereditary cancer-predisposing syndrome. Last evaluated: 2017-09-12. Review status: criteria provided, single submitter. Criteria: Ambry Variant Classification Scheme 2023. Collection method: clinical testing. Allele origin: germline.
Comment: The p.L2850V variant (also known as c.8548T>G), located in coding exon 57 of the ATM gene, results from a T to G substitution at nucleotide position 8548. The leucine at codon 2850 is replaced by valine, an amino acid with highly similar properties. This amino acid position is highly conserved in available vertebrate species. In addition, the in silico prediction for this alteration is inconclusive. Since supporting evidence is limited at this time, the clinical significance of this alteration remains unclear.